The following is an entry in ClinVar:

NM_001903.5(CTNNA1):c.621G>A (p.Met207Ile)

Gene: CTNNA1 (catenin alpha 1; plus strand). Cytogenetic location: 5q31.2.
Variant type: single nucleotide variant.
Coding change: c.621G>A on transcript NM_001903.5 (MANE Select); coding-DNA position 621, G replaced by A.
Protein change: p.Met207Ile; replaces methionine 207 with isoleucine.
Molecular consequence: missense variant.
Genome position (GRCh38, 1-based): chr5:138,824,562, G>A. VCF-style: chr5-138824562-G-A. GRCh37 (hg19) VCF-style: chr5-138160251-G-A.
Other names: c.621G>A, p.Met207Ile (NM_001290307.3, NM_001323982.2, NM_001323983.1 and 3 more transcripts); c.312G>A, p.Met104Ile (NM_001290309.3); c.252G>A, p.Met84Ile (NM_001290310.3); short protein forms M207I, M104I, M84I.
Identifiers: ClinVar variation 4007986 (VCV004007986.1).

ClinVar aggregate classification (germline): Uncertain significance (1 of 4 stars; one submission).

Conditions:
Hereditary cancer-predisposing syndrome. Also called: Tumor predisposition; Hereditary neoplastic syndrome; Neoplastic Syndromes, Hereditary; Hereditary Cancer Syndrome. Identifiers: Orphanet 140162, MedGen C0027672, MeSH D009386, MONDO:0015356.

Submission:

Ambry Genetics
Classification: Uncertain significance for Hereditary cancer-predisposing syndrome. Last evaluated: 2025-05-09. Review status: criteria provided, single submitter. Criteria: Ambry Variant Classification Scheme 2023. Collection method: clinical testing. Allele origin: germline.
Comment: The p.M207I variant (also known as c.621G>A), located in coding exon 5 of the CTNNA1 gene, results from a G to A substitution at nucleotide position 621. The methionine at codon 207 is replaced by isoleucine, an amino acid with highly similar properties. This amino acid position is highly conserved in available vertebrate species. In addition, the in silico prediction for this alteration is inconclusive. Based on the available evidence, the clinical significance of this variant remains unclear.